The following is an entry in ClinVar:

ClinVar aggregate classification (germline): Uncertain significance (1 of 4 stars; one submission).

Allele frequency attached by ClinVar (database versions not stated): gnomAD exomes below 0.00001.
gnomAD v4.1: 1 of 1,538,958 alleles (0.000065%); highest among the groups gnomAD compares: Non-Finnish European, 0.000087%; no homozygotes.

Submission:

GeneDx
Classification: Uncertain significance. Last evaluated: 2023-02-15. Review status: criteria provided, single submitter. Criteria: GeneDx Variant Classification Process June 2021. Collection method: clinical testing. Allele origin: germline. Affected: yes.
Comment: Not observed at significant frequency in large population cohorts (gnomAD); In silico analysis supports that this missense variant has a deleterious effect on protein structure/function; Has not been previously published as pathogenic or benign to our knowledge

NM_001042492.3(NF1):c.29T>G (p.Val10Gly)

Genes: MIR4733HG (MIR4733 host gene; minus strand), NF1 (neurofibromin 1; plus strand), LOC111811965 (NF1 (neurofibromin 1) promoter region; plus strand). Cytogenetic location: 17q11.2.
Variant type: single nucleotide variant.
Coding change: c.29T>G on transcript NM_001042492.3 (MANE Select); coding-DNA position 29, T replaced by G.
Protein change: p.Val10Gly; replaces valine 10 with glycine.
Molecular consequence: missense variant. On other transcripts: non-coding transcript variant (1).
Genome position (GRCh38, 1-based): chr17:31,095,338, T>G. VCF-style: chr17-31095338-T-G. GRCh37 (hg19) VCF-style: chr17-29422356-T-G.
Other names: c.29T>G, p.Val10Gly (NM_000267.4, NM_001128147.3); short protein forms V10G.
Identifiers: ClinVar variation 2576820 (VCV002576820.1), dbSNP rs2143145014, ClinGen allele CA398979281.